The following is an entry in ClinVar:

ClinVar aggregate classification (germline): Uncertain significance. Review status: criteria provided, multiple submitters, no conflicts (2 of 4 stars). 5 submissions from 5 submitters: Uncertain significance (5). Last evaluated 2024-11-05.

Conditions:
Developmental and epileptic encephalopathy, 50 (DEE50). Also called: Epileptic encephalopathy, early infantile, 50. Identifiers: Orphanet 448010, MedGen C4225320, MONDO:0014647, OMIM 616457.

Allele frequency attached by ClinVar (database versions not stated): gnomAD 0.00001; ExAC 0.00003; gnomAD exomes 0.00003; TOPMed 0.00003.
gnomAD v4.1: 63 of 1,613,996 alleles (0.0039%); highest among the groups gnomAD compares: Middle Eastern, 0.016%; no homozygotes.

Submissions (6):

Blueprint Genetics
Classification: Uncertain significance. Last evaluated: 2024-11-05. Review status: criteria provided, single submitter. Criteria: ACMG Guidelines, 2015. Collection method: clinical testing. Allele origin: germline.

Victorian Clinical Genetics Services, Murdoch Childrens Research Institute
Classification: Uncertain significance for Developmental and epileptic encephalopathy, 50. Last evaluated: 2023-07-17. Review status: criteria provided, single submitter. Criteria: ACMG Guidelines, 2015. Collection method: clinical testing. Allele origin: germline. Inheritance: Autosomal recessive inheritance. Affected: yes.
Comment: Based on the classification scheme VCGS_Germline_v1.3.4, this variant is classified as VUS-3B. Following criteria are met: 0102 - Loss of function is a known mechanism of disease in this gene and is associated with developmental and epileptic encephalopathy 50 (MIM#616457). (I) 0106 - This gene is associated with autosomal recessive disease. (I) 0200 - Variant is predicted to result in a missense amino acid change from tyrosine to cysteine. (I) 0251 - This variant is heterozygous. (I) 0304 - Variant is present in gnomAD <0.01 for a recessive condition (v2: 8 heterozygotes, 0 homozygotes). (SP) 0501 - Missense variant consistently predicted to be damaging by multiple in silico tools or highly conserved with a major amino acid change. (SP) 0604 - Variant is not located in an established domain, motif, hotspot or informative constraint region. (I) 0705 - No comparable missense variants have previous evidence for pathogenicity. (I) 0809 - Previous evidence of pathogenicity for this variant is inconclusive. It has been classified as a VUS by diagnostic laboratories in ClinVar. (I) 0905 - No published segregation evidence has been identified for this variant. (I) 1007 - No published functional evidence has been identified for this variant. (I) Legend: (SP) - Supporting pathogenic, (I) - Information, (SB) - Supporting benign

Labcorp Genetics (formerly Invitae), Labcorp
Classification: Uncertain significance. Last evaluated: 2022-08-09. Review status: criteria provided, single submitter. Criteria: Invitae Variant Classification Sherloc (09022015). Collection method: clinical testing. Allele origin: germline.
Comment: This sequence change replaces tyrosine, which is neutral and polar, with cysteine, which is neutral and slightly polar, at codon 451 of the CAD protein (p.Tyr451Cys). This variant is present in population databases (rs770953907, gnomAD 0.005%). This variant has not been reported in the literature in individuals affected with CAD-related conditions. ClinVar contains an entry for this variant (Variation ID: 1028219). Algorithms developed to predict the effect of missense changes on protein structure and function (SIFT, PolyPhen-2, Align-GVGD) all suggest that this variant is likely to be disruptive. Algorithms developed to predict the effect of sequence changes on RNA splicing suggest that this variant may disrupt the consensus splice site. In summary, the available evidence is currently insufficient to determine the role of this variant in disease. Therefore, it has been classified as a Variant of Uncertain Significance.

GeneDx
Classification: Uncertain significance. Last evaluated: 2021-11-22. Review status: criteria provided, single submitter. Criteria: GeneDx Variant Classification Process June 2021. Collection method: clinical testing. Allele origin: germline. Affected: yes.
Comment: In silico analysis supports that this missense variant has a deleterious effect on protein structure/function; Additionally, in silico analysis supports a deleterious effect on splicing; Has not been previously published as pathogenic or benign to our knowledge

Baylor Genetics
Classification: Uncertain significance for Developmental and epileptic encephalopathy, 50. Last evaluated: 2019-06-17. Review status: criteria provided, single submitter. Criteria: ACMG Guidelines, 2015. Collection method: clinical testing. Allele origin: unknown. Affected: yes.
Comment: This variant was determined to be of uncertain significance according to ACMG Guidelines, 2015 [PMID:25741868].

Dr. Peter K. Rogan Lab, Western University
No classification provided (evidence only). Condition: Familial cancer of breast. Review status: no classification provided. Collection method: in vitro. Allele origin: not applicable. Functional consequence: cryptic splice site, retained intron. Not counted in ClinVar's aggregate classification.

NM_004341.5(CAD):c.1352A>G (p.Tyr451Cys)

Gene: CAD (carbamoyl-phosphate synthetase 2, aspartate transcarbamylase, and dihydroorotase; plus strand). Cytogenetic location: 2p23.3.
Variant type: single nucleotide variant.
Coding change: c.1352A>G on transcript NM_004341.5 (MANE Select); coding-DNA position 1352, A replaced by G.
Protein change: p.Tyr451Cys; replaces tyrosine 451 with cysteine.
Molecular consequence: missense variant.
Genome position (GRCh38, 1-based): chr2:27,224,842, A>G. VCF-style: chr2-27224842-A-G. GRCh37 (hg19) VCF-style: chr2-27447710-A-G.
Other names: c.1352A>G, p.Tyr451Cys (NM_001306079.2); c.1352A>G (NM_004341.4); short protein forms Y451C.
Identifiers: ClinVar variation 1028219 (VCV001028219.10), dbSNP rs770953907, ClinGen allele CA1572680.
Genomic context (GRCh38, chr2:27,224,842, plus strand): 5'-TGCTGATCAACCCCAATATTGCCACAGTGCAGACCTCCCAGGGGCTGGCCGACAAGGTCT[A>G]TTTTCTTCCCATAACACCTCATTATGTAACCCAGGTATGACTGGGGCAAGGCTGGAATGA-3'
Protein context (NP_004332.2, residues 441-461): QTSQGLADKV[Tyr451Cys]FLPITPHYVT